The following is an entry in ClinVar:

NM_001365951.3(KIF1B):c.3209G>A (p.Ser1070Asn)

Gene: KIF1B (kinesin family member 1B; plus strand). Cytogenetic location: 1p36.22.
Variant type: single nucleotide variant.
Coding change: c.3209G>A on transcript NM_001365951.3 (MANE Select); coding-DNA position 3209, G replaced by A.
Protein change: p.Ser1070Asn; replaces serine 1070 with asparagine.
Molecular consequence: missense variant.
Genome position (GRCh38, 1-based): chr1:10,337,153, G>A. VCF-style: chr1-10337153-G-A. GRCh37 (hg19) VCF-style: chr1-10397211-G-A.
Other names: c.3209G>A, p.Ser1070Asn (NM_001365952.1); c.3071G>A, p.Ser1024Asn (NM_015074.3); short protein forms S1070N, S1024N.
Identifiers: ClinVar variation 5023195 (VCV005023195.1).

ClinVar aggregate classification (germline): Uncertain significance (1 of 4 stars; one submission).

Submission:

Ambry Genetics
Classification: Uncertain significance. Last evaluated: 2026-07-13. Review status: criteria provided, single submitter. Criteria: Ambry Variant Classification Scheme 2023. Collection method: clinical testing. Allele origin: germline.
Comment: The p.S1024N variant (also known as c.3071G>A), located in coding exon 27 of the KIF1B gene, results from a G to A substitution at nucleotide position 3071. The serine at codon 1024 is replaced by asparagine, an amino acid with highly similar properties. This amino acid position is conserved. In addition, this alteration is predicted to be tolerated by in silico analysis. Based on the available evidence, the clinical significance of this variant remains unclear.